The following is an entry in ClinVar:

NM_017934.7(PHIP):c.3760G>C (p.Asp1254His)

Genes: IRAK1BP1 (interleukin 1 receptor associated kinase 1 binding protein 1; plus strand), PHIP (PHIP subunit of CUL4-Ring ligase complex; minus strand). Cytogenetic location: 6q14.1.
Variant type: single nucleotide variant.
Coding change: c.3760G>C on transcript NM_017934.7 (MANE Select); coding-DNA position 3760, G replaced by C.
Protein change: p.Asp1254His; replaces aspartic acid 1254 with histidine.
Molecular consequence: missense variant.
Genome position (GRCh38, 1-based): chr6:78,958,497, C>G on the plus strand (G>C on the coding strand, the complement: PHIP is on the minus strand). VCF-style: chr6-78958497-C-G. GRCh37 (hg19) VCF-style: chr6-79668214-C-G.
Other names: short protein forms D1254H.
Identifiers: ClinVar variation 5000886 (VCV005000886.1).

ClinVar aggregate classification (germline): Uncertain significance (1 of 4 stars; one submission).

Conditions:
PHIP-related disorder. Also called: PHIP-related disorders; PHIP-related condition.

Submission:

PreventionGenetics, part of Exact Sciences
Classification: Uncertain significance for PHIP-related condition. Last evaluated: 2026-02-27. Review status: criteria provided, single submitter. Criteria: ACMG Guidelines, 2015. Collection method: clinical testing. Allele origin: germline.
Comment: The PHIP c.3760G>C variant is predicted to result in the amino acid substitution p.Asp1254His. To our knowledge, this variant has not been reported in the literature or in a large population database (gnomAD), indicating this variant is rare. At this time, the clinical significance of this variant is uncertain due to the absence of conclusive functional and genetic evidence.